The following is an entry in ClinVar:

NM_001160372.4(TRAPPC9):c.805C>T (p.Arg269Trp)

Gene: TRAPPC9 (trafficking protein particle complex subunit 9; minus strand). Cytogenetic location: 8q24.3.
Variant type: single nucleotide variant.
Coding change: c.805C>T on transcript NM_001160372.4 (MANE Select); coding-DNA position 805, C replaced by T.
Protein change: p.Arg269Trp; replaces arginine 269 with tryptophan.
Molecular consequence: missense variant. On other transcripts: non-coding transcript variant (1).
Genome position (GRCh38, 1-based): chr8:140,435,166, G>A on the plus strand (C>T on the coding strand, the complement: TRAPPC9 is on the minus strand). VCF-style: chr8-140435166-G-A. GRCh37 (hg19) VCF-style: chr8-141445265-G-A.
Other names: c.805C>T, p.Arg269Trp (NM_001321646.2, NM_001374683.1, NM_001374684.1 and 1 more transcripts); c.826C>T, p.Arg276Trp (NM_001374682.1); short protein forms R269W, R367W, R276W.
Identifiers: ClinVar variation 362089 (VCV000362089.12), dbSNP rs779077167, ClinGen allele CA4893634.

ClinVar aggregate classification (germline): Uncertain significance. Review status: criteria provided, multiple submitters, no conflicts (2 of 4 stars). 5 submissions from 5 submitters: Uncertain significance (4). 1 of the submissions does not count toward it. Last evaluated 2024-09-10.

Conditions:
Inborn genetic diseases. Identifiers: MedGen C0950123, MeSH D030342.

Allele frequency attached by ClinVar (database versions not stated): gnomAD 0.00003; gnomAD exomes 0.00012; TOPMed 0.00013; ExAC 0.00015.
gnomAD v4.1: 304 of 1,613,938 alleles (0.019%); highest among the groups gnomAD compares: Middle Eastern, 0.066%; 1 homozygote.

Submissions (5):

Ambry Genetics
Classification: Uncertain significance for Inborn genetic diseases. Last evaluated: 2024-09-10. Review status: criteria provided, single submitter. Criteria: Ambry Variant Classification Scheme 2023. Collection method: clinical testing. Allele origin: germline.

Labcorp Genetics (formerly Invitae), Labcorp
Classification: Uncertain significance. Last evaluated: 2022-07-14. Review status: criteria provided, single submitter. Criteria: Invitae Variant Classification Sherloc (09022015). Collection method: clinical testing. Allele origin: germline.
Comment: This sequence change replaces arginine, which is basic and polar, with tryptophan, which is neutral and slightly polar, at codon 367 of the TRAPPC9 protein (p.Arg367Trp). This variant is present in population databases (rs779077167, gnomAD 0.03%). This variant has not been reported in the literature in individuals affected with TRAPPC9-related conditions. ClinVar contains an entry for this variant (Variation ID: 362089). Algorithms developed to predict the effect of missense changes on protein structure and function are either unavailable or do not agree on the potential impact of this missense change (SIFT: "Not Available"; PolyPhen-2: "Probably Damaging"; Align-GVGD: "Not Available"). In summary, the available evidence is currently insufficient to determine the role of this variant in disease. Therefore, it has been classified as a Variant of Uncertain Significance.

GeneDx
Classification: Uncertain significance. Last evaluated: 2021-02-23. Review status: criteria provided, single submitter. Criteria: GeneDx Variant Classification Process June 2021. Collection method: clinical testing. Allele origin: germline. Affected: yes.
Comment: In silico analysis supports that this missense variant has a deleterious effect on protein structure/function; Has not been previously published as pathogenic or benign to our knowledge

Women's Health and Genetics/Laboratory Corporation of America, LabCorp
Classification: Uncertain significance. Last evaluated: 2020-01-03. Review status: criteria provided, single submitter. Criteria: LabCorp Variant Classification Summary - May 2015. Collection method: clinical testing. Allele origin: germline.
Comment: Variant summary: TRAPPC9 c.1099C>T (p.Arg367Trp) results in a non-conservative amino acid change in the encoded protein sequence. Four of five in-silico tools predict a damaging effect of the variant on protein function. The variant allele was found at a frequency of 0.00012 in 251442 control chromosomes (gnomAD). This frequency is not significantly higher than expected for a pathogenic variant in TRAPPC9 causing Mental retardation, autosomal recessive 13, allowing no conclusion about variant significance. To our knowledge, no occurrence of c.1099C>T in individuals affected with Mental retardation, autosomal recessive 13 and no experimental evidence demonstrating its impact on protein function have been reported. Two ClinVar submitters (evaluation after 2014) cite the variant as uncertain significance. Based on the evidence outlined above, the variant was classified as uncertain significance.

Laboratory of Molecular Genetics (Pr. Bezieau's lab), CHU de Nantes
Classification: Uncertain significance. Last evaluated: 2017-12-08. Review status: no assertion criteria provided. Collection method: clinical testing. Allele origin: germline. Affected: yes. Not counted in ClinVar's aggregate classification.